The following is an entry in ClinVar:

ClinVar aggregate classification (germline): Conflicting classifications of pathogenicity. Review status: criteria provided, conflicting classifications (1 of 4 stars). 3 submissions from 3 submitters: Uncertain significance (2); Likely benign (1). Last evaluated 2023-03-23.

Conditions:
Hereditary cancer-predisposing syndrome. Also called: Hereditary neoplastic syndrome; Tumor predisposition; Neoplastic Syndromes, Hereditary; Hereditary Cancer Syndrome. Identifiers: Orphanet 140162, MedGen C0027672, MeSH D009386, MONDO:0015356.

Submissions (3):

University of Washington Department of Laboratory Medicine, University of Washington
Classification: Likely benign for Hereditary cancer-predisposing syndrome. Last evaluated: 2023-03-23. Review status: criteria provided, single submitter. Criteria: Dines et al. (Genet Med. 2020). Collection method: curation. Allele origin: germline.
Comment: Missense variant in a coldspot region where missense variants are very unlikely to be pathogenic (PMID:31911673).

BRCA2 exon 11 coldspot. Reclassification based on statistical prior probability.

Color Diagnostics, LLC DBA Color Health
Classification: Uncertain significance for Hereditary cancer-predisposing syndrome. Last evaluated: 2019-04-25. Review status: criteria provided, single submitter. Criteria: ACMG Guidelines, 2015. Collection method: clinical testing. Allele origin: germline.

GeneDx
Classification: Uncertain significance. Last evaluated: 2015-03-20. Review status: criteria provided, single submitter. Criteria: GeneDx Variant Classification (06012015). Collection method: clinical testing. Allele origin: germline. Affected: yes.
Comment: This variant is denoted BRCA2 c.3165T>G at the cDNA level, p.Asn1055Lys (N1055K) at the protein level, and results in the change of an Asparagine to a Lysine (AAT>AAG). Using alternate nomenclature, this variant would be defined as BRCA2 3393T>G. This variant has not, to our knowledge, been published in the literature as pathogenic or benign. BRCA2 Asn1055Lys was not observed in approximately 6,500 individuals of European and African American ancestry in the NHLBI Exome Sequencing Project, indicating it is not a common benign variant in these populations. Since Asparagine and Lysine differ in some properties, this is considered a semi-conservative amino acid substitution. BRCA2 Asn1055Lys occurs at a position that is not conserved across species and is not located in a known functional domain (UniProt). In silico analyses predict that this variant is unlikely to alter protein structure or function. Based on currently available information, it is unclear whether BRCA2 Asn1055Lys is pathogenic or benign. We consider it to be a variant of uncertain significance.

NM_000059.4(BRCA2):c.3165T>G (p.Asn1055Lys)

Gene: BRCA2 (BRCA2 DNA repair associated; plus strand). Cytogenetic location: 13q13.1.
Variant type: single nucleotide variant.
Coding change: c.3165T>G on transcript NM_000059.4 (MANE Select); coding-DNA position 3165, T replaced by G.
Protein change: p.Asn1055Lys; replaces asparagine 1055 with lysine.
Molecular consequence: missense variant.
Genome position (GRCh38, 1-based): chr13:32,337,520, T>G. VCF-style: chr13-32337520-T-G. GRCh37 (hg19) VCF-style: chr13-32911657-T-G.
Other names: short protein forms N1055K.
Identifiers: ClinVar variation 418713 (VCV000418713.7), dbSNP rs1064793384, ClinGen allele CA16619688.
Genomic context (GRCh38, chr13:32,337,520, plus strand): 5'-AGAACAATATCCTACTAGTTTAGCTTGTGTTGAAATTGTAAATACCTTGGCATTAGATAA[T>G]CAAAAGAAACTGAGCAAGCCTCAGTCAATTAATACTGTATCTGCACATTTACAGAGTAGT-3'
Protein context (NP_000050.3, residues 1045-1065): VEIVNTLALD[Asn1055Lys]QKKLSKPQSI